The following is an entry in ClinVar:

NM_000441.2(SLC26A4):c.1371C>A (p.Asn457Lys)

Gene: SLC26A4 (solute carrier family 26 member 4; plus strand). Cytogenetic location: 7q22.3.
Variant type: single nucleotide variant.
Coding change: c.1371C>A on transcript NM_000441.2 (MANE Select); coding-DNA position 1371, C replaced by A.
Protein change: p.Asn457Lys; replaces asparagine 457 with lysine.
Molecular consequence: missense variant.
Genome position (GRCh38, 1-based): chr7:107,694,650, C>A. VCF-style: chr7-107694650-C-A. GRCh37 (hg19) VCF-style: chr7-107335095-C-A.
Other names: short protein forms N457K.
Identifiers: ClinVar variation 550172 (VCV000550172.16), dbSNP rs1554359670, ClinGen allele CA368840611.

ClinVar aggregate classification (germline): Pathogenic. Review status: criteria provided, multiple submitters, no conflicts (2 of 4 stars). 7 submissions from 7 submitters: Pathogenic (5). 2 of the submissions do not count toward it. Last evaluated 2025-03-18.

Conditions:
Autosomal recessive SLC26A4-related disorders.
Autosomal recessive nonsyndromic hearing loss 4 (DFNB4). Also called: Enlarged vestibular aqueduct, digenic; FOXI1-Related Pendred Syndrome; KCNJ10-Related Pendred Syndrome; NEUROSENSORY NONSYNDROMIC RECESSIVE DEAFNESS 4; Deafness, autosomal recessive 4, with enlarged vestibular aqueduct; Deafness, autosomal recessive 4. Identifiers: Orphanet 90636, MedGen C3538946, MONDO:0010933, OMIM 600791.
Pendred syndrome (PDS). Also called: DEAFNESS WITH GOITER; GOITER-DEAFNESS SYNDROME; HYPOTHYROIDISM, CONGENITAL, DUE TO DYSHORMONOGENESIS, 2B; Pendred's syndrome; Pendred Syndrome (PDS); THYROID DYSHORMONOGENESIS 2B. Identifiers: Orphanet 705, MedGen C0271829, MONDO:0010134, OMIM 274600.

gnomAD v4.1: 6 of 1,613,626 alleles (0.00037%); highest among the groups gnomAD compares: Non-Finnish European, 0.00051%; no homozygotes.

Submissions (7):

Variantyx, Inc.
Classification: Pathogenic for Autosomal recessive SLC26A4-related disorders. Last evaluated: 2025-03-18. Review status: criteria provided, single submitter. Criteria: Variantyx Assertion Criteria 2022. Collection method: clinical testing. Allele origin: germline.
Comment: This is a nonsynonymous variant in the SLC26A4 gene (OMIM: 605646). Pathogenic variants in this gene have been associated with autosomal recessive SLC26A4-related disorders. This variant has been identified in the homozygous or compound heterozygous state in at least 5 individual(s) from the published literature (PMID: 20597900, 32417962, 34170635, 25372295, 12676893) (PM3_Very_Strong). Functional studies have shown that this variant alters SLC26A4 protein function (PMID: 31599023, 38474007) (PS3_Supporting). Alternate amino acid change(s) at this position (p.Asn457Ile) have been previously reported in similarly affected individuals, which suggests that this residue is biologically important (PMID: 23638949) (PM5). Multiple computational algorithms predict a deleterious effect for this variant (REVEL score: 0.78) (PP3). This variant has a 0.0005% maximum allele frequency in non-founder control populations (PM2_Supporting). Based on the current evidence, this variant is classified as pathogenic for autosomal recessive SLC26A4-related disorders.

Natera, Inc.
Classification: Pathogenic for Pendred syndrome. Last evaluated: 2024-07-26. Review status: criteria provided, single submitter. Criteria: Natera Variant Classification Schema (03/2026). Collection method: clinical testing. Allele origin: germline.
Comment: The c.1371C>A variant in SLC26A4 is a missense variant predicted to cause substitution of asparagine to lysine at amino acid 457. This variant is rare in the general population with a frequency below the threshold expected for the associated phenotype(s). This variant has been observed in one or more individuals affected with the associated recessive disease, as either homozygous or compound heterozygous with a second variant (PMID: 32417962, 25372295, 20597900, 12676893). A different variant at the same position has been determined to be Pathogenic or Likely Pathogenic. Computational prediction algorithms indicate this variant is likely to affect gene or protein function. Given the available evidence, this variant is classified as Pathogenic.

Fulgent Genetics
Classification: Pathogenic for Pendred syndrome; Autosomal recessive nonsyndromic hearing loss 4. Last evaluated: 2024-05-28. Review status: criteria provided, single submitter. Criteria: ACMG Guidelines, 2015. Collection method: clinical testing. Allele origin: germline.

Baylor Genetics
Classification: Pathogenic for Autosomal recessive nonsyndromic hearing loss 4. Last evaluated: 2023-11-19. Review status: criteria provided, single submitter. Criteria: ACMG Guidelines, 2015. Collection method: clinical testing. Allele origin: unknown.

Labcorp Genetics (formerly Invitae), Labcorp
Classification: Pathogenic. Last evaluated: 2023-10-06. Review status: criteria provided, single submitter. Criteria: Invitae Variant Classification Sherloc (09022015). Collection method: clinical testing. Allele origin: germline.
Comment: This sequence change replaces asparagine, which is neutral and polar, with lysine, which is basic and polar, at codon 457 of the SLC26A4 protein (p.Asn457Lys). This variant is not present in population databases (gnomAD no frequency). This missense change has been observed in individual(s) with Pendred syndrome and deafness (PMID: 12676893, 20597900). In at least one individual the data is consistent with being in trans (on the opposite chromosome) from a pathogenic variant. ClinVar contains an entry for this variant (Variation ID: 550172). Advanced modeling of protein sequence and biophysical properties (such as structural, functional, and spatial information, amino acid conservation, physicochemical variation, residue mobility, and thermodynamic stability) performed at Invitae indicates that this missense variant is expected to disrupt SLC26A4 protein function. Experimental studies have shown that this missense change affects SLC26A4 function (PMID: 31599023). For these reasons, this variant has been classified as Pathogenic.

National Institute of Sensory Organs, National Hospital Organization Tokyo Medical Center
Classification: Affects for Autosomal recessive nonsyndromic hearing loss 4. Last evaluated: 2019-08-20. Review status: no assertion criteria provided. Collection method: literature only, in vitro. Allele origin: germline. Inheritance: Autosomal recessive inheritance. Affected: yes. Functional consequence: loss_of_function_variant. Not counted in ClinVar's aggregate classification.
Comment: in vitro experiment

Counsyl
Classification: Likely pathogenic for Pendred syndrome. Last evaluated: 2016-12-21. Review status: no assertion criteria provided. Collection method: clinical testing. Allele origin: unknown. Not counted in ClinVar's aggregate classification.

Literature cited by the submitters: PubMed 32417962 (cited by Natera, Inc.); PubMed 25372295 (cited by Natera, Inc. and Counsyl); PubMed 20597900 (cited by 3 submitters); PubMed 12676893 (cited by 4 submitters); PubMed 31599023 (cited by Labcorp Genetics (formerly Invitae), Labcorp and National Institute of Sensory Organs, National Hospital Organization Tokyo Medical Center); PubMed 27771369 (cited by National Institute of Sensory Organs, National Hospital Organization Tokyo Medical Center).